The following is an entry in ClinVar:

NM_000336.3(SCNN1B):c.1713del (p.Ser570_Tyr571insTer)

Gene: SCNN1B (sodium channel epithelial 1 subunit beta; plus strand). Cytogenetic location: 16p12.2.
Variant type: Deletion.
Coding change: c.1713del on transcript NM_000336.3 (MANE Select); coding-DNA position 1713, one base deleted (C; older notation c.1713delC).
Protein change: p.Ser570_Tyr571insTer.
Molecular consequence: nonsense. On other transcripts: frameshift variant (1).
Genome position (GRCh38, 1-based): chr16:23,380,591, C deleted. VCF-style (leftmost placement, unchanged base first): chr16-23380590-AC-A. GRCh37 (hg19) VCF-style: chr16-23391911-AC-A.
Other names: c.1713del (NM_000336.2); c.1605delC, p.Tyr535Terfs (NM_001410900.1).
Identifiers: ClinVar variation 2072038 (VCV002072038.5), dbSNP rs1460471478, ClinGen allele CA621661373.

ClinVar aggregate classification (germline): Uncertain significance. Review status: criteria provided, multiple submitters, no conflicts (2 of 4 stars). 2 submissions from 2 submitters: Uncertain significance (2). Last evaluated 2025-05-01.

Allele frequency attached by ClinVar (database versions not stated): gnomAD 0.00001.

Submissions (2):

GeneDx
Classification: Uncertain significance. Last evaluated: 2025-05-01. Review status: criteria provided, single submitter. Criteria: GeneDx Variant Classification Process June 2021. Collection method: clinical testing. Allele origin: germline. Affected: yes.
Comment: Nonsense variant predicted to result in protein truncation, as the last 70 amino acid(s) are lost, and other loss-of-function variants have been reported downstream in HGMD; Reported in a patient with muscle cramps and family history of hypertension and hypokalemia in published literature (PMID: 33851023); This variant is associated with the following publications: (PMID: 33851023)

Labcorp Genetics (formerly Invitae), Labcorp
Classification: Uncertain significance. Last evaluated: 2022-04-24. Review status: criteria provided, single submitter. Criteria: Invitae Variant Classification Sherloc (09022015). Collection method: clinical testing. Allele origin: germline.
Comment: In summary, the available evidence is currently insufficient to determine the role of this variant in disease. Therefore, it has been classified as a Variant of Uncertain Significance. Experimental studies and prediction algorithms are not available or were not evaluated, and the functional significance of this variant is currently unknown. This premature translational stop signal has been observed in individuals with Liddle syndrome (PMID: 33851023; Invitae). It has also been observed to segregate with disease in related individuals. This variant is present in population databases (no rsID available, gnomAD 0.007%). This sequence change creates a premature translational stop signal (p.Tyr571*) in the SCNN1B gene. While this is not anticipated to result in nonsense mediated decay, it is expected to disrupt the last 70 amino acid(s) of the SCNN1B protein.

Literature cited by the submitters: PubMed 33851023 (cited by Labcorp Genetics (formerly Invitae), Labcorp).